The following is an entry in ClinVar:

NM_130797.4(DPP6):c.627+20964_627+20966del

Gene: DPP6 (dipeptidyl peptidase like 6; plus strand). Cytogenetic location: 7q36.2.
Variant type: Deletion.
Coding change: c.627+20964_627+20966del on transcript NM_130797.4 (MANE Select); bases 20964 to 20966 of the intron after coding-DNA position 627, 3 bases deleted (GAG; older notation c.627+20964_627+20966delGAG).
Molecular consequence: intron variant. On other transcripts: nonsense (1), 3 prime UTR variant (1).
Genome position (GRCh38, 1-based): chr7:154,587,880-154,587,882, GAG deleted; deleting any 3 consecutive bases within chr7:154,587,879-154,587,882 gives the same sequence; the c. name uses the placement nearest the transcript's 3' end. VCF-style (leftmost placement, unchanged base first): chr7-154587878-TGGA-T. GRCh37 (hg19) VCF-style: chr7-154379588-TGGA-T.
Other names: c.858_860del, p.Trp286_Arg287delinsTer (NM_001290253.2); c.*706_*708del (NM_001364502.2); c.444+20964_444+20966del (NM_001364500.2, NM_001364499.2, NM_001364497.2 and 1 more transcripts); c.435+20964_435+20966del (NM_001364501.2, NM_001039350.3); c.441+20964_441+20966del (NM_001936.5, NM_001290252.2).
Identifiers: ClinVar variation 4884006 (VCV004884006.2).

ClinVar aggregate classification (germline): Uncertain significance (1 of 4 stars; one submission).

Conditions:
Intellectual developmental disorder, autosomal dominant 33. Also called: Intellectual disability, autosomal dominant 33. Identifiers: MedGen C4225375, MONDO:0014580, OMIM 616311.

Submission:

Dasa
Classification: Uncertain significance for Intellectual developmental disorder, autosomal dominant 33. Last evaluated: 2025-10-07. Review status: criteria provided, single submitter. Criteria: DASA Assertion Criteria. Collection method: clinical testing. Allele origin: germline.
Comment: NM_001290253.2(DPP6):c.858_860del (p.Trp286*) is a nonsense variant in DPP6 predicted to introduce a premature termination codon. This variant is rare in population databases. The currently available literature and clinical evidence are not sufficient to establish a definitive association between this variant and the reported condition. Therefore, this variant is classified as a variant of uncertain significance.